The following is an entry in ClinVar:

NM_000238.4(KCNH2):c.1996del (p.Leu666fs)

Gene: KCNH2 (potassium voltage-gated channel subfamily H member 2; minus strand). Cytogenetic location: 7q36.1.
Variant type: Deletion.
Coding change: c.1996del on transcript NM_000238.4 (MANE Select); coding-DNA position 1996, one base deleted (C; older notation c.1996delC).
Protein change: p.Leu666fs; shifts the reading frame from leucine 666.
Molecular consequence: frameshift variant. On other transcripts: non-coding transcript variant (2).
Genome position (GRCh38, 1-based): chr7:150,951,070, G deleted on the plus strand (C on the coding strand, the reverse complement: KCNH2 is on the minus strand). VCF-style (leftmost placement, unchanged base first): chr7-150951069-AG-A. GRCh37 (hg19) VCF-style: chr7-150648157-AG-A.
Other names: c.976del, p.Leu326fs (NM_001204798.2, NM_172057.3); c.1708del, p.Leu570fs (NM_001406753.1, NM_001406756.1); c.1819del, p.Leu607fs (NM_001406755.1); c.1696del, p.Leu566fs (NM_001406757.1); c.1996del, p.Leu666fs (NM_172056.3); short protein forms L326fs, L666fs, L566fs, L570fs, L607fs.
Identifiers: ClinVar variation 3651645 (VCV003651645.2).

ClinVar aggregate classification (germline): Pathogenic (1 of 4 stars; one submission).

Conditions:
Long QT syndrome (LQTS). Identifiers: MedGen C0023976, MeSH D008133, MONDO:0002442. Disease mechanism: loss of function. Inheritance: Various modes of inheritance.

Submission:

Labcorp Genetics (formerly Invitae), Labcorp
Classification: Pathogenic for Long QT syndrome. Last evaluated: 2024-04-30. Review status: criteria provided, single submitter. Criteria: Invitae Variant Classification Sherloc (09022015). Collection method: clinical testing. Allele origin: germline.
Comment: This sequence change creates a premature translational stop signal (p.Leu666Cysfs*48) in the KCNH2 gene. It is expected to result in an absent or disrupted protein product. Loss-of-function variants in KCNH2 are known to be pathogenic (PMID: 10973849, 19862833). This variant is not present in population databases (gnomAD no frequency). This variant has not been reported in the literature in individuals affected with KCNH2-related conditions. For these reasons, this variant has been classified as Pathogenic.

Literature cited by the submitters: PubMed 10973849; PubMed 19862833.